The following is an entry in ClinVar:

ClinVar aggregate classification (germline): Uncertain significance. Review status: criteria provided, multiple submitters, no conflicts (2 of 4 stars). 6 submissions from 6 submitters: Uncertain significance (6). Last evaluated 2025-12-07.

Conditions:
Hereditary cancer-predisposing syndrome. Also called: Hereditary Cancer Syndrome; Hereditary neoplastic syndrome; Neoplastic Syndromes, Hereditary; Tumor predisposition. Identifiers: Orphanet 140162, MedGen C0027672, MeSH D009386, MONDO:0015356.
Peutz-Jeghers syndrome (PJS). Also called: POLYPOSIS, HAMARTOMATOUS INTESTINAL; POLYPS-AND-SPOTS SYNDROME; Peutz-Jeghers polyposis; Periorificial lentiginosis syndrome. Identifiers: Orphanet 2869, MedGen C0031269, MeSH D010580, MONDO:0008280, OMIM 175200.

Allele frequency attached by ClinVar (database versions not stated): gnomAD exomes 0.00001; ExAC 0.00002.

Submissions (6):

Labcorp Genetics (formerly Invitae), Labcorp
Classification: Uncertain significance for Peutz-Jeghers syndrome. Last evaluated: 2025-12-07. Review status: criteria provided, single submitter. Criteria: Invitae Variant Classification Sherloc (09022015). Collection method: clinical testing. Allele origin: germline.
Comment: This sequence change replaces arginine, which is basic and polar, with cysteine, which is neutral and slightly polar, at codon 333 of the STK11 protein (p.Arg333Cys). The frequency data for this variant in the population databases is considered unreliable, as metrics indicate poor data quality at this position in the gnomAD database. This variant has not been reported in the literature in individuals affected with STK11-related conditions. ClinVar contains an entry for this variant (Variation ID: 921581). Invitae Evidence Modeling of protein sequence and biophysical properties (such as structural, functional, and spatial information, amino acid conservation, physicochemical variation, residue mobility, and thermodynamic stability) has been performed for this missense variant. However, the output from this modeling did not meet the statistical confidence thresholds required to predict the impact of this variant on STK11 protein function. In summary, the available evidence is currently insufficient to determine the role of this variant in disease. Therefore, it has been classified as a Variant of Uncertain Significance.

Center for Genomic Medicine, Rigshospitalet, Copenhagen University Hospital
Classification: Uncertain significance. Last evaluated: 2025-03-04. Review status: criteria provided, single submitter. Criteria: ACMG Guidelines, 2015. Collection method: clinical testing. Allele origin: germline.

Color Diagnostics, LLC DBA Color Health
Classification: Uncertain significance for Hereditary cancer-predisposing syndrome. Last evaluated: 2024-12-17. Review status: criteria provided, single submitter. Criteria: ACMG Guidelines, 2015. Collection method: clinical testing. Allele origin: germline.
Comment: This missense variant replaces arginine with cysteine at codon 333 of the STK11 protein. Computational prediction suggests that this variant may have deleterious impact on protein structure and function. To our knowledge, functional studies have not been reported for this variant. This variant has not been reported in individuals affected with STK11-related disorders in the literature. This variant has not been identified in the general population by the Genome Aggregation Database (gnomAD). The available evidence is insufficient to determine the role of this variant in disease conclusively. Therefore, this variant is classified as a Variant of Uncertain Significance.

Ambry Genetics
Classification: Uncertain significance for Hereditary cancer-predisposing syndrome. Last evaluated: 2023-09-20. Review status: criteria provided, single submitter. Criteria: Ambry Variant Classification Scheme 2023. Collection method: clinical testing. Allele origin: germline.
Comment: The p.R333C variant (also known as c.997C>T), located in coding exon 8 of the STK11 gene, results from a C to T substitution at nucleotide position 997. The arginine at codon 333 is replaced by cysteine, an amino acid with highly dissimilar properties. This amino acid position is highly conserved in available vertebrate species. In addition, the in silico prediction for this alteration is inconclusive. Since supporting evidence is limited at this time, the clinical significance of this alteration remains unclear.

GeneDx
Classification: Uncertain significance. Last evaluated: 2022-06-06. Review status: criteria provided, single submitter. Criteria: GeneDx Variant Classification Process June 2021. Collection method: clinical testing. Allele origin: germline. Affected: yes.
Comment: Not observed at significant frequency in large population cohorts (gnomAD); In silico analysis supports that this missense variant has a deleterious effect on protein structure/function; Has not been previously published as pathogenic or benign to our knowledge; This variant is associated with the following publications: (PMID: 28900777)

Genome-Nilou Lab
Classification: Uncertain significance for Peutz-Jeghers syndrome. Last evaluated: 2021-07-15. Review status: criteria provided, single submitter. Criteria: ACMG Guidelines, 2015. Collection method: clinical testing. Allele origin: germline. Affected: no.

NM_000455.5(STK11):c.997C>T (p.Arg333Cys)

Genes: STK11 (serine/threonine kinase 11; plus strand), LOC130062899 (ATAC-STARR-seq lymphoblastoid active region 13597; plus strand). Cytogenetic location: 19p13.3.
Variant type: single nucleotide variant.
Coding change: c.997C>T on transcript NM_000455.5 (MANE Select); coding-DNA position 997, C replaced by T.
Protein change: p.Arg333Cys; replaces arginine 333 with cysteine.
Molecular consequence: missense variant.
Genome position (GRCh38, 1-based): chr19:1,223,061, C>T. VCF-style: chr19-1223061-C-T. GRCh37 (hg19) VCF-style: chr19-1223060-C-T.
Other names: short protein forms R333C.
Identifiers: ClinVar variation 921581 (VCV000921581.23), dbSNP rs746564972, ClinGen allele CA049884.